The following is an entry in ClinVar:

ClinVar aggregate classification (germline): Pathogenic (1 of 4 stars; one submission).

Conditions:
Norman-Roberts syndrome (LIS2). Also called: Lissencephaly 2 (Norman-Roberts type). Identifiers: Orphanet 89844, MedGen C0796089, MONDO:0009760, OMIM 257320.
Familial temporal lobe epilepsy 7. Identifiers: Orphanet 101046, MedGen C4225327, MONDO:0014639, OMIM 616436.

Submission:

Labcorp Genetics (formerly Invitae), Labcorp
Classification: Pathogenic for Familial temporal lobe epilepsy 7; Norman-Roberts syndrome. Last evaluated: 2022-08-08. Review status: criteria provided, single submitter. Criteria: Invitae Variant Classification Sherloc (09022015). Collection method: clinical testing. Allele origin: germline.
Comment: For these reasons, this variant has been classified as Pathogenic. ClinVar contains an entry for this variant (Variation ID: 1447834). This variant has not been reported in the literature in individuals affected with RELN-related conditions. This variant is not present in population databases (gnomAD no frequency). This sequence change creates a premature translational stop signal (p.Asp789Ilefs*17) in the RELN gene. It is expected to result in an absent or disrupted protein product. Loss-of-function variants in RELN are known to be pathogenic (PMID: 10973257, 26046367, 28454995).

Literature cited by the submitters: PubMed 10973257; PubMed 26046367; PubMed 28454995.

NM_005045.4(RELN):c.2364del (p.Asp789fs)

Gene: RELN (reelin; minus strand). Cytogenetic location: 7q22.1.
Variant type: Deletion.
Coding change: c.2364del on transcript NM_005045.4 (MANE Select); coding-DNA position 2364, one base deleted (T; older notation c.2364delT).
Protein change: p.Asp789fs; shifts the reading frame from aspartic acid 789.
Molecular consequence: frameshift variant.
Genome position (GRCh38, 1-based): chr7:103,635,526, A deleted on the plus strand (T on the coding strand, the reverse complement: RELN is on the minus strand). VCF-style (leftmost placement, unchanged base first): chr7-103635525-CA-C. GRCh37 (hg19) VCF-style: chr7-103275972-CA-C.
Other names: c.2364del, p.Asp789fs (NM_173054.3); short protein forms D789fs.
Identifiers: ClinVar variation 1447834 (VCV001447834.6), dbSNP rs2117348851, ClinGen allele CA2573141394.
Genomic context (GRCh38, chr7:103,635,525, plus strand): 5'-GTTTCCAAGTTATCCCATTATCATAAGAATAATGCAACAAAACTCCTTCACCAGGCTGAT[CA>C]GGGGCTCTGCACGTGCTCAGAACAGATTTGCTCCCCAGTCTCAGTGTGAACTGGAGAAAC-3'